The following is an entry in ClinVar:

NM_001267550.2(TTN):c.65206G>T (p.Ala21736Ser)

Genes: TTN (titin; minus strand), TTN-AS1 (TTN antisense RNA 1; plus strand). Cytogenetic location: 2q31.2.
Variant type: single nucleotide variant.
Coding change: c.65206G>T on transcript NM_001267550.2 (MANE Select); coding-DNA position 65206, G replaced by T.
Protein change: p.Ala21736Ser; replaces alanine 21736 with serine.
Molecular consequence: missense variant.
Genome position (GRCh38, 1-based): chr2:178,584,345, C>A on the plus strand (G>T on the coding strand, the complement: TTN is on the minus strand). VCF-style: chr2-178584345-C-A. GRCh37 (hg19) VCF-style: chr2-179449072-C-A.
Other names: c.60283G>T, p.Ala20095Ser (NM_001256850.1); c.38011G>T, p.Ala12671Ser (NM_003319.4); c.57502G>T, p.Ala19168Ser (NM_133378.4); c.38386G>T, p.Ala12796Ser (NM_133432.3); c.38587G>T, p.Ala12863Ser (NM_133437.4); short protein forms A21736S, A12796S, A20095S, A12863S, A12671S, A19168S.
Identifiers: ClinVar variation 467376 (VCV000467376.5), dbSNP rs1320436212, ClinGen allele CA349434835.

ClinVar aggregate classification (germline): Uncertain significance. Review status: criteria provided, multiple submitters, no conflicts (2 of 4 stars). 3 submissions from 3 submitters: Uncertain significance (3). Last evaluated 2026-09-15.

Conditions:
TTN-related disorder. Also called: TTN-related condition; TTN-related disease; TTN-related disorders.
Autosomal recessive limb-girdle muscular dystrophy type 2J (LGMDR10). Also called: Limb-girdle muscular dystrophy, type 2J; MUSCULAR DYSTROPHY, LIMB-GIRDLE, AUTOSOMAL RECESSIVE 10. Identifiers: Orphanet 140922, MedGen C1837342, MONDO:0012127, OMIM 608807.
Dilated cardiomyopathy 1G (CMD1G). Identifiers: Orphanet 154, MedGen C1858763, MONDO:0011400, OMIM 604145.
Hypertrophic cardiomyopathy 9. Also called: Familial hypertrophic cardiomyopathy 9. Identifiers: MedGen C1861065, MONDO:0013412, OMIM 613765.
Myopathy, myofibrillar, 9, with early respiratory failure (MFM9). Also called: Hereditary myopathy with early respiratory failure; MYOPATHY, PROXIMAL, WITH EARLY RESPIRATORY MUSCLE INVOLVEMENT; EDSTROM MYOPATHY; Myopathy, distal, with early respiratory failure, autosomal dominant. Identifiers: Orphanet 178464, Orphanet 34521, MedGen C1863599, MONDO:0011362, OMIM 603689.
Tibial muscular dystrophy (TMD). Also called: Udd Distal Myopathy – Tibial Muscular Dystrophy; UDD MYOPATHY; Tibial muscular dystrophy, tardive. Identifiers: Orphanet 609, MedGen C1838244, MONDO:0010870, OMIM 600334.
Early-onset myopathy with fatal cardiomyopathy (CMYO5). Also called: Salih Myopathy; CONGENITAL MYOPATHY 5 WITH CARDIOMYOPATHY. Identifiers: Orphanet 289377, MedGen C2673677, MONDO:0012714, OMIM 611705. Disease mechanism: loss of function.

Allele frequency attached by ClinVar (database versions not stated): gnomAD exomes below 0.00001; TOPMed below 0.00001.
gnomAD v4.1: 1 of 1,612,078 alleles (0.000062%); highest among the groups gnomAD compares: Admixed American, 0.0017%; no homozygotes.

Submissions (3):

PreventionGenetics, part of Exact Sciences
Classification: Uncertain significance for TTN-related condition. Last evaluated: 2026-09-15. Review status: criteria provided, single submitter. Criteria: ACMG Guidelines, 2015. Collection method: clinical testing. Allele origin: germline.
Comment: The TTN c.65206G>T variant is predicted to result in the amino acid substitution p.Ala21736Ser. To our knowledge, this variant has not been reported in the literature. This variant is reported in 0.0029% of alleles in individuals of Latino descent in gnomAD. At this time, the clinical significance of this variant is uncertain due to the absence of conclusive functional and genetic evidence.

Fulgent Genetics
Classification: Uncertain significance for Tibial muscular dystrophy; Myopathy, myofibrillar, 9, with early respiratory failure; Dilated cardiomyopathy 1G; Autosomal recessive limb-girdle muscular dystrophy type 2J; Early-onset myopathy with fatal cardiomyopathy; Hypertrophic cardiomyopathy 9. Last evaluated: 2021-09-24. Review status: criteria provided, single submitter. Criteria: ACMG Guidelines, 2015. Collection method: clinical testing. Allele origin: unknown.

Labcorp Genetics (formerly Invitae), Labcorp
Classification: Uncertain significance for Dilated cardiomyopathy 1G; Autosomal recessive limb-girdle muscular dystrophy type 2J. Last evaluated: 2017-07-12. Review status: criteria provided, single submitter. Criteria: Invitae Variant Classification Sherloc (09022015). Collection method: clinical testing. Allele origin: germline.